The following is an entry in ClinVar:

ClinVar aggregate classification (germline): Likely benign. Review status: criteria provided, multiple submitters, no conflicts (2 of 4 stars). 4 submissions from 4 submitters: Likely benign (3). 1 of the submissions does not count toward it. Last evaluated 2026-01-25.

Conditions:
Bifunctional peroxisomal enzyme deficiency (DBIF). Also called: DBP DEFICIENCY; PBFE DEFICIENCY; D-bifunctional protein deficiency. Identifiers: Orphanet 300, MedGen C0342870, MONDO:0009855, OMIM 261515. Disease mechanism: loss of function.
Perrault syndrome 1 (PRLTS1). Also called: GONADAL DYSGENESIS, XX TYPE, WITH DEAFNESS; OVARIAN DYSGENESIS WITH SENSORINEURAL DEAFNESS. Identifiers: Orphanet 2855, Orphanet 642945, MedGen C4551721, MONDO:0009300, OMIM 233400.
Perrault syndrome. Also called: Gonadal dysgenesis with auditory dysfunction, autosomal recessive inheritance. Identifiers: Orphanet 2855, MedGen C0685838, MONDO:0017312.

Allele frequency attached by ClinVar (database versions not stated): TOPMed 0.00031; ESP Exome Variant Server 0.00038; 1000 Genomes Project 0.00060; 1000 Genomes Project 30x 0.00078; gnomAD 0.00029.
gnomAD v4.1: 85 of 1,487,596 alleles (0.0057%); highest among the groups gnomAD compares: African/African-American, 0.1%; no homozygotes.

Submissions (4):

Labcorp Genetics (formerly Invitae), Labcorp
Classification: Likely benign for Perrault syndrome; Bifunctional peroxisomal enzyme deficiency. Last evaluated: 2026-01-25. Review status: criteria provided, single submitter. Criteria: Invitae Variant Classification Sherloc (09022015). Collection method: clinical testing. Allele origin: germline.

Fulgent Genetics
Classification: Likely benign for Perrault syndrome 1; Bifunctional peroxisomal enzyme deficiency. Last evaluated: 2021-07-30. Review status: criteria provided, single submitter. Criteria: ACMG Guidelines, 2015. Collection method: clinical testing. Allele origin: unknown.

Laboratory for Molecular Medicine, Mass General Brigham Personalized Medicine
Classification: Likely benign. Last evaluated: 2016-06-06. Review status: criteria provided, single submitter. Criteria: LMM Criteria. Collection method: clinical testing. Allele origin: germline. Observed: 1 variant allele.
Comment: c.1336+14A>G in intron 15 of HSD17B4: This variant is not expected to have clini cal significance because it is not located within the conserved splice consensus sequence. It has been identified in 0.1% (13/10388) of African chromosomes by the Exome Aggregation Consortium (ExAC; dbSNP rs 371682983).

Counsyl
Classification: Likely benign for Bifunctional peroxisomal enzyme deficiency. Last evaluated: 2017-01-19. Review status: no assertion criteria provided. Collection method: clinical testing. Allele origin: unknown. Not counted in ClinVar's aggregate classification.

NM_000414.4(HSD17B4):c.1261+14A>G

Gene: HSD17B4 (hydroxysteroid 17-beta dehydrogenase 4; plus strand). Cytogenetic location: 5q23.1.
Variant type: single nucleotide variant.
Coding change: c.1261+14A>G on transcript NM_000414.4 (MANE Select); 14 bases into the intron after coding-DNA position 1261, A replaced by G.
Molecular consequence: intron variant.
Genome position (GRCh38, 1-based): chr5:119,502,106, A>G. VCF-style: chr5-119502106-A-G. GRCh37 (hg19) VCF-style: chr5-118837801-A-G.
Other names: c.850+14A>G (NM_001374503.1, NM_001374502.1, NM_001374501.1); c.1336+14A>G (NM_001199291.3); c.934+14A>G (NM_001374499.1); c.820+14A>G (NM_001374500.1); c.841+14A>G (NM_001292028.2); c.1189+14A>G (NM_001292027.2); c.1261+14A>G (NM_001374498.1); c.1252+14A>G (NM_001374497.1); and 1 more.
Identifiers: ClinVar variation 504774 (VCV000504774.11), dbSNP rs371682983, ClinGen allele CA3382149.